The following is an entry in ClinVar:

ClinVar aggregate classification (germline): Uncertain significance (1 of 4 stars; one submission).

Submission:

Women's Health and Genetics/Laboratory Corporation of America, LabCorp
Classification: Uncertain significance. Last evaluated: 2024-07-02. Review status: criteria provided, single submitter. Criteria: LabCorp Variant Classification Summary - May 2015. Collection method: clinical testing. Allele origin: germline.
Comment: Variant summary: CYB5R3 c.557C>G (p.Pro186Arg) results in a non-conservative amino acid change located in the Oxidoreductase FAD/NAD(P)-binding (IPR001433) of the encoded protein sequence. Five of five in-silico tools predict a damaging effect of the variant on protein function. The variant was absent in 250166 control chromosomes. The available data on variant occurrences in the general population are insufficient to allow any conclusion about variant significance. To our knowledge, no occurrence of c.557C>G in individuals affected with Deficiency Of Cytochrome-B5 Reductase and no experimental evidence demonstrating its impact on protein function have been reported. No submitters have cited clinical-significance assessments for this variant to ClinVar. Based on the evidence outlined above, the variant was classified as uncertain significance.

NM_000398.7(CYB5R3):c.557C>G (p.Pro186Arg)

Gene: CYB5R3 (cytochrome b5 reductase 3; minus strand). Cytogenetic location: 22q13.2.
Variant type: single nucleotide variant.
Coding change: c.557C>G on transcript NM_000398.7 (MANE Select); coding-DNA position 557, C replaced by G.
Protein change: p.Pro186Arg; replaces proline 186 with arginine.
Molecular consequence: missense variant.
Genome position (GRCh38, 1-based): chr22:42,627,380, G>C on the plus strand (C>G on the coding strand, the complement: CYB5R3 is on the minus strand). VCF-style: chr22-42627380-G-C. GRCh37 (hg19) VCF-style: chr22-43023386-G-C.
Other names: c.488C>G, p.Pro163Arg (NM_001129819.2, NM_001171661.1, NM_007326.4); c.656C>G, p.Pro219Arg (NM_001171660.2); short protein forms P163R, P186R, P219R.
Identifiers: ClinVar variation 3339212 (VCV003339212.1).